The following is an entry in ClinVar:

ClinVar aggregate classification (germline): Uncertain significance. Review status: criteria provided, multiple submitters, no conflicts (2 of 4 stars). 2 submissions from 2 submitters: Uncertain significance (2). Last evaluated 2025-09-22.

Conditions:
POLD1-related polyposis and colorectal cancer syndrome (CRCS10). Also called: Colorectal cancer, susceptibility to, 10; Colorectal cancer 10; COLORECTAL CANCER, SUSCEPTIBILITY TO, ON CHROMOSOME 19q. Identifiers: Orphanet 220460, MedGen C2675481, MONDO:0012953, OMIM 612591.
Hereditary cancer-predisposing syndrome. Also called: Tumor predisposition; Hereditary Cancer Syndrome; Hereditary neoplastic syndrome; Neoplastic Syndromes, Hereditary. Identifiers: Orphanet 140162, MedGen C0027672, MeSH D009386, MONDO:0015356.

gnomAD v4.1: 1 of 1,613,596 alleles (0.000062%); highest among the groups gnomAD compares: East Asian, 0.0022%; no homozygotes.

Submissions (2):

Labcorp Genetics (formerly Invitae), Labcorp
Classification: Uncertain significance for POLD1-related polyposis and colorectal cancer syndrome. Last evaluated: 2025-09-22. Review status: criteria provided, single submitter. Criteria: Invitae Variant Classification Sherloc (09022015). Collection method: clinical testing. Allele origin: germline.
Comment: This sequence change replaces arginine, which is basic and polar, with tryptophan, which is neutral and slightly polar, at codon 180 of the POLD1 protein (p.Arg180Trp). This variant is not present in population databases (gnomAD no frequency). This variant has not been reported in the literature in individuals affected with POLD1-related conditions. ClinVar contains an entry for this variant (Variation ID: 1361322). An algorithm developed to predict the effect of missense changes on protein structure and function (PolyPhen-2) suggests that this variant is likely to be disruptive. In summary, the available evidence is currently insufficient to determine the role of this variant in disease. Therefore, it has been classified as a Variant of Uncertain Significance.

Ambry Genetics
Classification: Uncertain significance for Hereditary cancer-predisposing syndrome. Last evaluated: 2024-02-24. Review status: criteria provided, single submitter. Criteria: Ambry Variant Classification Scheme 2023. Collection method: clinical testing. Allele origin: germline.
Comment: The p.R180W variant (also known as c.538A>T), located in coding exon 4 of the POLD1 gene, results from an A to T substitution at nucleotide position 538. The arginine at codon 180 is replaced by tryptophan, an amino acid with dissimilar properties. This amino acid position is conserved. In addition, this alteration is predicted to be tolerated by in silico analysis. Since supporting evidence is limited at this time, the clinical significance of this alteration remains unclear.

NM_002691.4(POLD1):c.538A>T (p.Arg180Trp)

Gene: POLD1 (DNA polymerase delta 1, catalytic subunit; plus strand). Cytogenetic location: 19q13.33.
Variant type: single nucleotide variant.
Coding change: c.538A>T on transcript NM_002691.4 (MANE Select); coding-DNA position 538, A replaced by T.
Protein change: p.Arg180Trp; replaces arginine 180 with tryptophan.
Molecular consequence: missense variant. On other transcripts: non-coding transcript variant (1).
Genome position (GRCh38, 1-based): chr19:50,402,073, A>T. VCF-style: chr19-50402073-A-T. GRCh37 (hg19) VCF-style: chr19-50905330-A-T.
Other names: c.538A>T, p.Arg180Trp (NM_001256849.1, NM_001308632.1); short protein forms R180W.
Identifiers: ClinVar variation 1361322 (VCV001361322.10), dbSNP rs749864626, ClinGen allele CA406973227.